The following is an entry in ClinVar:

NM_001282680.3(GAPVD1):c.1382A>G (p.Asn461Ser)

Gene: GAPVD1 (GTPase activating protein and VPS9 domains 1; plus strand). Cytogenetic location: 9q33.3.
Variant type: single nucleotide variant.
Coding change: c.1382A>G on transcript NM_001282680.3 (MANE Select); coding-DNA position 1382, A replaced by G.
Protein change: p.Asn461Ser; replaces asparagine 461 with serine.
Molecular consequence: missense variant. On other transcripts: non-coding transcript variant (2).
Genome position (GRCh38, 1-based): chr9:125,307,821, A>G. VCF-style: chr9-125307821-A-G. GRCh37 (hg19) VCF-style: chr9-128070100-A-G.
Other names: c.1382A>G, p.Asn461Ser (NM_001282679.2, NM_001282681.3, NM_001330777.3 and 11 more transcripts); short protein forms N461S.
Identifiers: ClinVar variation 723391 (VCV000723391.6), dbSNP rs145897750, ClinGen allele CA5240149.

ClinVar aggregate classification (germline): Benign. Review status: criteria provided, multiple submitters, no conflicts (2 of 4 stars). 3 submissions from 3 submitters: Benign (2). 1 of the submissions does not count toward it. Last evaluated 2018-04-30.

Conditions:
GAPVD1-related disorder. Also called: GAPVD1-related condition.

Allele frequency attached by ClinVar (database versions not stated): gnomAD exomes 0.00102 and 0.00030; ExAC 0.00112; 1000 Genomes Project 30x 0.00297; 1000 Genomes Project 0.00319; gnomAD 0.00342 and 0.00372; TOPMed 0.00397; ESP Exome Variant Server 0.00431.

Submissions (3):

Labcorp Genetics (formerly Invitae), Labcorp
Classification: Benign. Last evaluated: 2018-04-30. Review status: criteria provided, single submitter. Criteria: Invitae Variant Classification Sherloc (09022015). Collection method: clinical testing. Allele origin: germline.

Breakthrough Genomics
Classification: Benign. Review status: criteria provided, single submitter. Criteria: ACMG Guidelines, 2015. Collection method: not provided. Allele origin: germline. Inheritance: Unknown mechanism. Affected: yes.

PreventionGenetics, part of Exact Sciences
Classification: Benign for GAPVD1-related condition. Last evaluated: 2019-05-03. Review status: no assertion criteria provided. Collection method: clinical testing. Allele origin: germline. Not counted in ClinVar's aggregate classification.
Comment: This variant is classified as benign based on ACMG/AMP sequence variant interpretation guidelines (Richards et al. 2015 PMID: 25741868, with internal and published modifications).